The following is an entry in ClinVar:

ClinVar aggregate classification (germline): Uncertain significance. Review status: criteria provided, multiple submitters, no conflicts (2 of 4 stars). 2 submissions from 2 submitters: Uncertain significance (2). Last evaluated 2024-05-06.

Conditions:
Inborn genetic diseases. Identifiers: MedGen C0950123, MeSH D030342.

Allele frequency attached by ClinVar (database versions not stated): gnomAD exomes below 0.00001.
gnomAD v4.1: 1 of 1,612,822 alleles (0.000062%); highest among the groups gnomAD compares: Non-Finnish European, 0.000085%; no homozygotes.

Submissions (2):

Labcorp Genetics (formerly Invitae), Labcorp
Classification: Uncertain significance. Last evaluated: 2024-05-06. Review status: criteria provided, single submitter. Criteria: Invitae Variant Classification Sherloc (09022015). Collection method: clinical testing. Allele origin: germline.
Comment: This sequence change replaces serine, which is neutral and polar, with cysteine, which is neutral and slightly polar, at codon 700 of the ATR protein (p.Ser700Cys). This variant is not present in population databases (gnomAD no frequency). This variant has not been reported in the literature in individuals affected with ATR-related conditions. ClinVar contains an entry for this variant (Variation ID: 2614118). An algorithm developed to predict the effect of missense changes on protein structure and function (PolyPhen-2) suggests that this variant is likely to be disruptive. In summary, the available evidence is currently insufficient to determine the role of this variant in disease. Therefore, it has been classified as a Variant of Uncertain Significance.

Ambry Genetics
Classification: Uncertain significance for Inborn genetic diseases. Last evaluated: 2023-09-09. Review status: criteria provided, single submitter. Criteria: Ambry Variant Classification Scheme 2023. Collection method: clinical testing. Allele origin: germline.
Comment: The p.S700C variant (also known as c.2099C>G), located in coding exon 10 of the ATR gene, results from a C to G substitution at nucleotide position 2099. The serine at codon 700 is replaced by cysteine, an amino acid with dissimilar properties. This amino acid position is conserved. In addition, the in silico prediction for this alteration is inconclusive. Since supporting evidence is limited at this time, the clinical significance of this alteration remains unclear.

NM_001184.4(ATR):c.2099C>G (p.Ser700Cys)

Gene: ATR (ATR checkpoint kinase; minus strand). Cytogenetic location: 3q23.
Variant type: single nucleotide variant.
Coding change: c.2099C>G on transcript NM_001184.4 (MANE Select); coding-DNA position 2099, C replaced by G.
Protein change: p.Ser700Cys; replaces serine 700 with cysteine.
Molecular consequence: missense variant.
Genome position (GRCh38, 1-based): chr3:142,556,119, G>C on the plus strand (C>G on the coding strand, the complement: ATR is on the minus strand). VCF-style: chr3-142556119-G-C. GRCh37 (hg19) VCF-style: chr3-142274961-G-C.
Other names: c.1907C>G, p.Ser636Cys (NM_001354579.2); short protein forms S700C, S636C.
Identifiers: ClinVar variation 2614118 (VCV002614118.4), dbSNP rs2108471815, ClinGen allele CA354818997.